The following is an entry in ClinVar:

ClinVar aggregate classification (germline): Uncertain significance (1 of 4 stars; one submission).

Allele frequency attached by ClinVar (database versions not stated): ExAC 0.00001; gnomAD exomes 0.00002; gnomAD 0.00003 and 0.00004; TOPMed 0.00003.
gnomAD v4.1: 32 of 1,613,974 alleles (0.002%); highest among the groups gnomAD compares: Middle Eastern, 0.016%; no homozygotes.

Submission:

GeneDx
Classification: Uncertain significance. Last evaluated: 2020-02-03. Review status: criteria provided, single submitter. Criteria: GeneDx Variant Classification Process June 2021. Collection method: clinical testing. Allele origin: germline. Affected: yes.
Comment: Not observed at a significant frequency in large population cohorts (Lek et al., 2016); In silico analysis supports that this missense variant does not alter protein structure/function; Has not been previously published as pathogenic or benign to our knowledge

NM_006420.3(ARFGEF2):c.757G>A (p.Gly253Ser)

Gene: ARFGEF2 (ARF guanine nucleotide exchange factor 2; plus strand). Cytogenetic location: 20q13.13.
Variant type: single nucleotide variant.
Coding change: c.757G>A on transcript NM_006420.3 (MANE Select); coding-DNA position 757, G replaced by A.
Protein change: p.Gly253Ser; replaces glycine 253 with serine.
Molecular consequence: missense variant.
Genome position (GRCh38, 1-based): chr20:48,953,709, G>A. VCF-style: chr20-48953709-G-A. GRCh37 (hg19) VCF-style: chr20-47570246-G-A.
Other names: short protein forms G253S.
Identifiers: ClinVar variation 1315028 (VCV001315028.2), dbSNP rs754473579, ClinGen allele CA9898229.